The following is an entry in ClinVar:

ClinVar aggregate classification (germline): Pathogenic (1 of 4 stars; one submission).

Conditions:
LAMA2-related muscular dystrophy (LAMA2-RD). Also called: Laminin alpha 2-related dystrophy. Identifiers: MedGen C5679788, MONDO:0100228.

Submission:

Labcorp Genetics (formerly Invitae), Labcorp
Classification: Pathogenic for LAMA2-related muscular dystrophy. Last evaluated: 2020-12-29. Review status: criteria provided, single submitter. Criteria: Invitae Variant Classification Sherloc (09022015). Collection method: clinical testing. Allele origin: germline.
Comment: For these reasons, this variant has been classified as Pathogenic. This variant has not been reported in the literature in individuals with LAMA2-related conditions. This variant is a gross deletion of the genomic region encompassing exon(s) 32-33 of the LAMA2 gene. This deletion is out-of-frame, and is expected to create a premature translational stop signal and result in an absent or disrupted protein product. Loss-of-function variants in LAMA2 are known to be pathogenic (PMID: 18700894).

Literature cited by the submitters: PubMed 18700894.

NC_000006.11:g.(?_129674299)_(129687516_?)del

Gene: LAMA2 (laminin subunit alpha 2; plus strand). Cytogenetic location: 6q22.33.
Variant type: Deletion.
Identifiers: ClinVar variation 1457504 (VCV001457504.7).